The following is an entry in ClinVar:

ClinVar aggregate classification (germline): Uncertain significance (1 of 4 stars; one submission).

Submission:

Labcorp Genetics (formerly Invitae), Labcorp
Classification: Uncertain significance. Last evaluated: 2023-05-23. Review status: criteria provided, single submitter. Criteria: Invitae Variant Classification Sherloc (09022015). Collection method: clinical testing. Allele origin: germline.
Comment: This sequence change replaces asparagine, which is neutral and polar, with serine, which is neutral and polar, at codon 137 of the RTTN protein (p.Asn137Ser). This variant is not present in population databases (gnomAD no frequency). This variant has not been reported in the literature in individuals affected with RTTN-related conditions. Advanced modeling of protein sequence and biophysical properties (such as structural, functional, and spatial information, amino acid conservation, physicochemical variation, residue mobility, and thermodynamic stability) performed at Invitae indicates that this missense variant is not expected to disrupt RTTN protein function. In summary, the available evidence is currently insufficient to determine the role of this variant in disease. Therefore, it has been classified as a Variant of Uncertain Significance.

NM_173630.4(RTTN):c.410A>G (p.Asn137Ser)

Gene: RTTN (rotatin; minus strand). Cytogenetic location: 18q22.2.
Variant type: single nucleotide variant.
Coding change: c.410A>G on transcript NM_173630.4 (MANE Select); coding-DNA position 410, A replaced by G.
Protein change: p.Asn137Ser; replaces asparagine 137 with serine.
Molecular consequence: missense variant. On other transcripts: 5 prime UTR variant (1).
Genome position (GRCh38, 1-based): chr18:70,201,971, T>C on the plus strand (A>G on the coding strand, the complement: RTTN is on the minus strand). VCF-style: chr18-70201971-T-C. GRCh37 (hg19) VCF-style: chr18-67869207-T-C.
Other names: c.-2144A>G (NM_001318520.2); short protein forms N137S.
Identifiers: ClinVar variation 2801564 (VCV002801564.3), dbSNP rs1043925543, ClinGen allele CA301964260.
Genomic context (GRCh38, chr18:70,201,971, plus strand): 5'-ACTTCCATCTGCTGGAAATTACTTTTGTCTTGGGGAAAATATCCTGTTAAGATTTCAGGG[T>C]TTTTTGACAATTCTGAAAAGGAAATAAACATTACTGTATTGTCGATTCCTTATTTGCTAA-3'
Protein context (NP_775901.3, residues 127-147): YQTNQTELSK[Asn137Ser]PEILTGYFPQ